The following is an entry in ClinVar:

NM_130837.3(OPA1):c.991T>C (p.Ser331Pro)

Gene: OPA1 (OPA1 mitochondrial dynamin like GTPase; plus strand). Cytogenetic location: 3q29.
Variant type: single nucleotide variant.
Coding change: c.991T>C on transcript NM_130837.3 (MANE Select); coding-DNA position 991, T replaced by C.
Protein change: p.Ser331Pro; replaces serine 331 with proline.
Molecular consequence: missense variant.
Genome position (GRCh38, 1-based): chr3:193,637,237, T>C. VCF-style: chr3-193637237-T-C. GRCh37 (hg19) VCF-style: chr3-193355026-T-C.
Other names: c.457T>C, p.Ser153Pro (NM_001354663.2); c.454T>C, p.Ser152Pro (NM_001354664.2); c.826T>C, p.Ser276Pro (NM_015560.3); c.718T>C, p.Ser240Pro (NM_130831.3); c.772T>C, p.Ser258Pro (NM_130832.3); c.829T>C, p.Ser277Pro (NM_130833.3); c.880T>C, p.Ser294Pro (NM_130834.3); c.883T>C, p.Ser295Pro (NM_130835.3); and 1 more; short protein forms S152P, S153P, S240P, S258P, S276P, S277P, S294P, S295P.
Identifiers: ClinVar variation 1716056 (VCV001716056.5), dbSNP rs2474808815, ClinGen allele CA355788010.

ClinVar aggregate classification (germline): Uncertain significance (1 of 4 stars; one submission).

gnomAD v4.1: 1 of 1,608,610 alleles (0.000062%); highest among the groups gnomAD compares: South Asian, 0.0011%; no homozygotes.

Submission:

Labcorp Genetics (formerly Invitae), Labcorp
Classification: Uncertain significance. Last evaluated: 2022-08-24. Review status: criteria provided, single submitter. Criteria: Invitae Variant Classification Sherloc (09022015). Collection method: clinical testing. Allele origin: germline.
Comment: In summary, the available evidence is currently insufficient to determine the role of this variant in disease. Therefore, it has been classified as a Variant of Uncertain Significance. Advanced modeling of protein sequence and biophysical properties (such as structural, functional, and spatial information, amino acid conservation, physicochemical variation, residue mobility, and thermodynamic stability) performed at Invitae indicates that this missense variant is expected to disrupt OPA1 protein function. This variant has not been reported in the literature in individuals affected with OPA1-related conditions. This variant is not present in population databases (gnomAD no frequency). This sequence change replaces serine, which is neutral and polar, with proline, which is neutral and non-polar, at codon 276 of the OPA1 protein (p.Ser276Pro).